The following is an entry in ClinVar:

ClinVar aggregate classification (germline): Uncertain significance (1 of 4 stars; one submission).

Conditions:
Cystic fibrosis (CF). Also called: MUCOVISCIDOSIS. Identifiers: Orphanet 586, MedGen C0010674, MONDO:0009061, OMIM 219700. Disease mechanism: loss of function.

Submission:

Institute of Human Genetics, University of Leipzig Medical Center
Classification: Uncertain significance for Cystic fibrosis. Last evaluated: 2022-09-05. Review status: criteria provided, single submitter. Criteria: ACMG Guidelines, 2015. Collection method: curation. Allele origin: unknown. Affected: yes. Observed: 1 variant allele.
Comment: The variant was classified in the context of a project re-classifying variants in the German Cystic Fibrosis Registry (Muko.e.V.). Criteria applied: PM2_SUP, PP3, PP4

NM_000492.4(CFTR):c.3725T>A (p.Leu1242His)

Genes: CFTR (CF transmembrane conductance regulator; plus strand), CFTR-AS2 (CFTR antisense RNA 2; minus strand). Cytogenetic location: 7q31.2.
Variant type: single nucleotide variant.
Coding change: c.3725T>A on transcript NM_000492.4 (MANE Select); coding-DNA position 3725, T replaced by A.
Protein change: p.Leu1242His; replaces leucine 1242 with histidine.
Molecular consequence: missense variant.
Genome position (GRCh38, 1-based): chr7:117,642,445, T>A. VCF-style: chr7-117642445-T-A. GRCh37 (hg19) VCF-style: chr7-117282499-T-A.
Other names: short protein forms L1242H.
Identifiers: ClinVar variation 1706019 (VCV001706019.1), dbSNP rs2485159740, ClinGen allele CA368974433.